The following is an entry in ClinVar:

GRCh37/hg19 2q37.1-37.3(chr2:234716425-242783384)x3

Genes: CAPN10 (calpain 10; plus strand), COL6A3 (collagen type VI alpha 3 chain; minus strand), PER2 (period circadian regulator 2; minus strand), SNED1 (sushi, nidogen and EGF like domains 1; plus strand), PRLH (prolactin releasing hormone; plus strand) and 61 more. Cytogenetic location: 2q37.1-37.3.
Variant type: copy number gain.
Change: copy number 3 (three copies instead of two) of chr2:234,716,425-242,783,384 (8.07 Mb, GRCh37 coordinates, 1-based), cytogenetic band 2q37.1-37.3.
Identifiers: ClinVar variation 562672 (VCV000562672.2).

ClinVar aggregate classification (germline): Likely pathogenic (1 of 4 stars; one submission).

Submission:

Quest Diagnostics Nichols Institute San Juan Capistrano
Classification: Likely pathogenic. Last evaluated: 2025-05-19. Review status: criteria provided, single submitter. Criteria: ACMG/ClinGen CNV Guidelines, 2019. Collection method: clinical testing. Allele origin: unknown.
Comment: This copy number gain involves at least 70 protein-coding genes and overlaps the 2q37.3 terminal region (ISCA-37394). Larger heterozygous duplications overlapping 2q37 have been reported in individuals with variable phenotypes (Rashidi-Nezhad 2012). There are no similar copy number gains of this region in the general populations of the Database of Genomic Variants. Although copy number gains of this interval have not yet been associated with a specific clinical phenotype, based on gene content, this copy number variant (CNV) is classified as likely pathogenic. References: Rashidi-Nezhad et al., Eur J Med Genet. 2012 Mar;55(3):203-10. PMID: 22370062